The following is an entry in ClinVar:

ClinVar aggregate classification (germline): Likely pathogenic (1 of 4 stars; one submission).

Submission:

GeneDx
Classification: Likely pathogenic. Last evaluated: 2026-02-25. Review status: criteria provided, single submitter. Criteria: GeneDx Variant Classification Process June 2021. Collection method: clinical testing. Allele origin: germline.
Comment: Not observed at significant frequency in large population cohorts (gnomAD); In silico analysis supports that this missense variant has a deleterious effect on protein structure/function; This variant is associated with the following publications: (PMID: 19357557)

NM_004183.4(BEST1):c.8T>C (p.Ile3Thr)

Gene: BEST1 (bestrophin 1; plus strand). Cytogenetic location: 11q12.3.
Variant type: single nucleotide variant.
Coding change: c.8T>C on transcript NM_004183.4 (MANE Select); coding-DNA position 8, T replaced by C.
Protein change: p.Ile3Thr; replaces isoleucine 3 with threonine.
Molecular consequence: missense variant. On other transcripts: non-coding transcript variant (1), intron variant (6).
Genome position (GRCh38, 1-based): chr11:61,951,814, T>C. VCF-style: chr11-61951814-T-C. GRCh37 (hg19) VCF-style: chr11-61719286-T-C.
Other names: c.8T>C, p.Ile3Thr (NM_001363592.2, NM_001440571.1, NM_001440572.1 and 1 more transcripts); c.-29+1387T>C (NM_001139443.3, NM_001300787.2, NM_001440574.1 and 3 more transcripts); short protein forms I3T.
Identifiers: ClinVar variation 4887830 (VCV004887830.1).